The following is an entry in ClinVar:

NM_000017.4(ACADS):c.1192C>T (p.Gln398Ter)

Gene: ACADS (acyl-CoA dehydrogenase short chain; plus strand). Cytogenetic location: 12q24.31.
Variant type: single nucleotide variant.
Coding change: c.1192C>T on transcript NM_000017.4 (MANE Select); coding-DNA position 1192, C replaced by T.
Protein change: p.Gln398Ter; replaces glutamine 398 with a stop codon.
Molecular consequence: nonsense.
Genome position (GRCh38, 1-based): chr12:120,739,401, C>T. VCF-style: chr12-120739401-C-T. GRCh37 (hg19) VCF-style: chr12-121177204-C-T.
Other names: c.1180C>T, p.Gln394Ter (NM_001302554.2); short protein forms Q398*, Q394*.
Identifiers: ClinVar variation 377423 (VCV000377423.24), dbSNP rs767774362, ClinGen allele CA6831236.
Genomic context (GRCh38, chr12:120,739,401, plus strand): 5'-GCAGAGCGGCACTACCGCGACGCCCGCATCACTGAGATCTACGAGGGCACCAGCGAAATC[C>T]AGCGGCTGGTGATCGCCGGGCATCTGCTCAGGAGCTACCGGAGCTGAGCCCGCGGCGGAC-3'

ClinVar aggregate classification (germline): Pathogenic/Likely pathogenic. Review status: criteria provided, multiple submitters, no conflicts (2 of 4 stars). 6 submissions from 6 submitters: Pathogenic (1); Likely pathogenic (4). 1 of the submissions does not count toward it. Last evaluated 2026-08-01.

Conditions:
Deficiency of butyryl-CoA dehydrogenase (ACADSD). Also called: SCAD DEFICIENCY, MILD; SCAD Deficiency; Short-Chain Acyl-CoA Dehydrogenase Deficiency; ACADS DEFICIENCY; ACYL-CoA DEHYDROGENASE, SHORT-CHAIN, DEFICIENCY OF; SCADH DEFICIENCY. Identifiers: Orphanet 26792, MedGen C0342783, MONDO:0008722, OMIM 201470. Disease mechanism: May be benign.

Allele frequency attached by ClinVar (database versions not stated): ExAC 0.00004; gnomAD exomes 0.00004 and 0.00008; gnomAD 0.00006; TOPMed 0.00008.
gnomAD v4.1: 129 of 1,612,526 alleles (0.008%); highest among the groups gnomAD compares: Non-Finnish European, 0.01%; no homozygotes.

Submissions (6):

CeGaT Center for Human Genetics Tuebingen
Classification: Likely pathogenic. Last evaluated: 2026-08-01. Review status: criteria provided, single submitter. Criteria: CeGaT Center For Human Genetics Tuebingen Variant Classification Criteria Version 2. Collection method: clinical testing. Allele origin: germline. Affected: yes. Observed: 1 variant allele.
Comment: ACADS: PM2, PM3, PVS1:Moderate

Labcorp Genetics (formerly Invitae), Labcorp
Classification: Pathogenic for Deficiency of butyryl-CoA dehydrogenase. Last evaluated: 2025-04-11. Review status: criteria provided, single submitter. Criteria: Invitae Variant Classification Sherloc (09022015). Collection method: clinical testing. Allele origin: germline.
Comment: This sequence change creates a premature translational stop signal (p.Gln398*) in the ACADS gene. While this is not anticipated to result in nonsense mediated decay, it is expected to disrupt the last 15 amino acid(s) of the ACADS protein. This variant is present in population databases (rs767774362, gnomAD 0.009%). This premature translational stop signal has been observed in individual(s) with an inborn error of metabolism and/or SCAD deficiency (PMID: 32778825; internal data). In at least one individual the data is consistent with being in trans (on the opposite chromosome) from a pathogenic variant. ClinVar contains an entry for this variant (Variation ID: 377423). This variant disrupts a region of the ACADS protein in which other variant(s) (p.Arg399Gln) have been determined to be pathogenic (PMID: 32710939; internal data). This suggests that this is a clinically significant region of the protein, and that variants that disrupt it are likely to be disease-causing. For these reasons, this variant has been classified as Pathogenic.

GeneDx
Classification: Likely pathogenic. Last evaluated: 2024-08-09. Review status: criteria provided, single submitter. Criteria: GeneDx Variant Classification Process June 2021. Collection method: clinical testing. Allele origin: germline. Affected: yes.
Comment: Reported as true positive unique variant in a cohort of individuals with inborn errors of metabolism (PMID: 32778825); Nonsense variant predicted to result in protein truncation, as the last 15 amino acids are lost, and other loss-of-function variants have been reported downstream in HGMD; Not observed at significant frequency in large population cohorts (gnomAD); This variant is associated with the following publications: (PMID: 32778825)

Illumina Laboratory Services, Illumina
Classification: Likely pathogenic for Deficiency of butyryl-CoA dehydrogenase. Last evaluated: 2023-05-24. Review status: criteria provided, single submitter. Criteria: ICSLVariantClassificationCriteria RUGD 01 April 2020. Collection method: clinical testing. Allele origin: unknown.

Genome-Nilou Lab
Classification: Likely pathogenic for Deficiency of butyryl-CoA dehydrogenase. Last evaluated: 2021-11-07. Review status: criteria provided, single submitter. Criteria: ACMG Guidelines, 2015. Collection method: clinical testing. Allele origin: germline. Affected: no.

Counsyl
Classification: Uncertain significance for Deficiency of butyryl-CoA dehydrogenase. Last evaluated: 2017-06-16. Review status: no assertion criteria provided. Collection method: clinical testing. Allele origin: unknown. Not counted in ClinVar's aggregate classification.

Literature cited by the submitters: PubMed 32778825 (cited by Labcorp Genetics (formerly Invitae), Labcorp); PubMed 32710939 (cited by Labcorp Genetics (formerly Invitae), Labcorp).